The following is an entry in ClinVar:

ClinVar aggregate classification (germline): Uncertain significance (1 of 4 stars; one submission).

Submission:

Labcorp Genetics (formerly Invitae), Labcorp
Classification: Uncertain significance. Last evaluated: 2023-02-20. Review status: criteria provided, single submitter. Criteria: Invitae Variant Classification Sherloc (09022015). Collection method: clinical testing. Allele origin: germline.
Comment: This sequence change replaces valine, which is neutral and non-polar, with isoleucine, which is neutral and non-polar, at codon 1054 of the EIF2AK3 protein (p.Val1054Ile). In summary, the available evidence is currently insufficient to determine the role of this variant in disease. Therefore, it has been classified as a Variant of Uncertain Significance. An algorithm developed to predict the effect of missense changes on protein structure and function (PolyPhen-2) suggests that this variant is likely to be tolerated. This variant has not been reported in the literature in individuals affected with EIF2AK3-related conditions. This variant is not present in population databases (gnomAD no frequency).

NM_004836.7(EIF2AK3):c.3160G>A (p.Val1054Ile)

Genes: EIF2AK3 (eukaryotic translation initiation factor 2 alpha kinase 3; minus strand), EIF2AK3-AS1 (EIF2AK3 antisense RNA 1; plus strand). Cytogenetic location: 2p11.2.
Variant type: single nucleotide variant.
Coding change: c.3160G>A on transcript NM_004836.7 (MANE Select); coding-DNA position 3160, G replaced by A.
Protein change: p.Val1054Ile; replaces valine 1054 with isoleucine.
Molecular consequence: missense variant.
Genome position (GRCh38, 1-based): chr2:88,557,927, C>T on the plus strand (G>A on the coding strand, the complement: EIF2AK3 is on the minus strand). VCF-style: chr2-88557927-C-T. GRCh37 (hg19) VCF-style: chr2-88857445-C-T.
Other names: c.2707G>A, p.Val903Ile (NM_001313915.2); short protein forms V1054I, V903I.
Identifiers: ClinVar variation 2839225 (VCV002839225.3), dbSNP rs2529086605, ClinGen allele CA347584076.
Genomic context (GRCh38, chr2:88,557,927, plus strand): 5'-TTTCAATGATGTTTATAGCTTCAGGTCGTTCCATGGGGGATGGAGAGAGCATGTCTTGAA[C>T]CATCACGTACTGAAAATATAAAAATTGTTTTGTGATAAAACGGCCAGGTTTGATCACTGT-3'
Protein context (NP_004827.4, residues 1044-1064): TQKYPCEYVM[Val1054Ile]QDMLSPSPME